The following is an entry in ClinVar:

ClinVar aggregate classification (germline): Likely benign. Review status: criteria provided, multiple submitters, no conflicts (2 of 4 stars). 3 submissions from 3 submitters: Likely benign (3). Last evaluated 2025-11-13.

Conditions:
TTN-related disorder. Also called: TTN-related condition; TTN-related disease; TTN-related disorders.

Allele frequency attached by ClinVar (database versions not stated): TOPMed below 0.00001; ExAC 0.00002; gnomAD exomes 0.00002.
gnomAD v4.1: 34 of 1,612,600 alleles (0.0021%); highest among the groups gnomAD compares: Non-Finnish European, 0.0026%; no homozygotes.

Submissions (3):

PreventionGenetics, part of Exact Sciences
Classification: Likely benign for TTN-related condition. Last evaluated: 2025-11-13. Review status: criteria provided, single submitter. Criteria: ACMG Guidelines, 2015. Collection method: clinical testing. Allele origin: germline.
Comment: This variant is classified as likely benign based on ACMG/AMP sequence variant interpretation guidelines (Richards et al. 2015 PMID: 25741868, with internal and published modifications).

Molecular Diagnostic Laboratory for Inherited Cardiovascular Disease, Montreal Heart Institute
Classification: Likely benign. Last evaluated: 2025-04-09. Review status: criteria provided, single submitter. Criteria: ACMG Guidelines, 2015. Collection method: clinical testing. Allele origin: germline. Affected: no.

Laboratory for Molecular Medicine, Mass General Brigham Personalized Medicine
Classification: Likely benign. Last evaluated: 2012-02-17. Review status: criteria provided, single submitter. Criteria: LMM Criteria. Collection method: clinical testing. Allele origin: germline. Observed: 2 variant alleles.
Comment: His4458His in exon 45A of TTN: This variant is not expected to have clinical sig nificance because it does not alter an amino acid residue and is not located wit hin the splice consensus sequence. His4458His in exon 45A of TTN (allele freque ncy = n/a)

NM_133379.5(TTN):c.13374T>C (p.His4458=)

Gene: TTN (titin; minus strand). Cytogenetic location: 2q31.2.
Variant type: single nucleotide variant.
Coding change: c.13374T>C on transcript NM_133379.5; coding-DNA position 13374, T replaced by C.
Protein change: p.His4458=; no amino-acid change (histidine 4458 retained).
Molecular consequence: synonymous variant. On other transcripts: intron variant (6).
Genome position (GRCh38, 1-based): chr2:178,749,026, A>G on the plus strand (T>C on the coding strand, the complement: TTN is on the minus strand). VCF-style: chr2-178749026-A-G. GRCh37 (hg19) VCF-style: chr2-179613753-A-G.
Other names: c.13374T>C (NM_133379.4); c.10360+4098T>C (NM_001256850.1, NM_133378.4); c.11311+4098T>C (NM_001267550.2); c.10222+4098T>C (NM_003319.4); c.10798+4098T>C (NM_133437.4); c.10597+4098T>C (NM_133432.3).
Identifiers: ClinVar variation 47754 (VCV000047754.7), dbSNP rs397517809, ClinGen allele CA141838.
Genomic context (GRCh38, chr2:178,749,026, plus strand): 5'-GGTAGGTCTTTTTTCTAGAACTCCTTTTTCTACATGTAATTTTTCAAATTCGATAATTCT[A>G]TGCTTCACCTTTTTCCCCGGGTAGTGTATCTCTTCACCAAGGGATTCTTCATATACAATG-3'